The following is an entry in ClinVar:

ClinVar aggregate classification (germline): Uncertain significance (1 of 4 stars; one submission).

Allele frequency attached by ClinVar (database versions not stated): gnomAD exomes below 0.00001.
gnomAD v4.1: 1 of 1,613,202 alleles (0.000062%); highest among the groups gnomAD compares: Non-Finnish European, 0.000085%; no homozygotes.

Submission:

Labcorp Genetics (formerly Invitae), Labcorp
Classification: Uncertain significance. Last evaluated: 2024-07-01. Review status: criteria provided, single submitter. Criteria: Invitae Variant Classification Sherloc (09022015). Collection method: clinical testing. Allele origin: germline.
Comment: This sequence change replaces arginine, which is basic and polar, with threonine, which is neutral and polar, at codon 549 of the AGBL5 protein (p.Arg549Thr). This variant is not present in population databases (gnomAD no frequency). This variant has not been reported in the literature in individuals affected with AGBL5-related conditions. ClinVar contains an entry for this variant (Variation ID: 2122934). An algorithm developed to predict the effect of missense changes on protein structure and function (PolyPhen-2) suggests that this variant is likely to be disruptive. In summary, the available evidence is currently insufficient to determine the role of this variant in disease. Therefore, it has been classified as a Variant of Uncertain Significance.

NM_021831.6(AGBL5):c.1646G>C (p.Arg549Thr)

Gene: AGBL5 (AGBL carboxypeptidase 5; plus strand). Cytogenetic location: 2p23.3.
Variant type: single nucleotide variant.
Coding change: c.1646G>C on transcript NM_021831.6 (MANE Select); coding-DNA position 1646, G replaced by C.
Protein change: p.Arg549Thr; replaces arginine 549 with threonine.
Molecular consequence: missense variant. On other transcripts: non-coding transcript variant (2).
Genome position (GRCh38, 1-based): chr2:27,057,413, G>C. VCF-style: chr2-27057413-G-C. GRCh37 (hg19) VCF-style: chr2-27280281-G-C.
Other names: c.1646G>C, p.Arg549Thr (NM_001035506.1, NM_001035507.3); short protein forms R549T.
Identifiers: ClinVar variation 2122934 (VCV002122934.4), dbSNP rs2465480174, ClinGen allele CA346184319.
Genomic context (GRCh38, chr2:27,057,413, plus strand): 5'-CTGCTGCCTGCCATGACAATGGGCGTGCCAGCCCCCCTCCCCCGCCGGCTTTCCCCTCCA[G>C]ATACACTGTGGAACTATTTGAGCAGGTATGAATACATGGTGTAAGTGGGAAAAGGGAGAA-3'
Protein context (NP_068603.4, residues 539-559): SPPPPPAFPS[Arg549Thr]YTVELFEQVG